The following is an entry in ClinVar:

ClinVar aggregate classification (germline): Likely pathogenic. Review status: criteria provided, multiple submitters, no conflicts (2 of 4 stars). 6 submissions from 6 submitters: Likely pathogenic (5). 1 of the submissions does not count toward it. Last evaluated 2026-08-06.

Conditions:
Alstrom syndrome (ALMS). Identifiers: Orphanet 64, MedGen C0268425, MONDO:0008763, OMIM 203800.
ALMS1-related disorder. Also called: ALMS1-related condition.

Allele frequency attached by ClinVar (database versions not stated): gnomAD exomes below 0.00001; TOPMed 0.00003.
gnomAD v4.1: 4 of 1,589,048 alleles (0.00025%); highest among the groups gnomAD compares: Admixed American, 0.0018%; no homozygotes.

Submissions (6):

OLLIN Analises Genomicas, OLLIN
Classification: Likely pathogenic for Alstrom syndrome. Last evaluated: 2026-08-06. Review status: criteria provided, single submitter. Criteria: ACMG Guidelines 2015 PMID 25741868. Collection method: clinical testing. Allele origin: germline. Inheritance: Autosomal recessive inheritance.
Comment: This variant, located at the canonical splicing site (splice donor), has been reported in ClinVar (accession VCV000390220.16) and in gnomAD with an allele frequency of 0.00025%. However, to our knowledge, it has not been reported in the scientific literature. This variant is predicted to disrupt a canonical splice site, potentially leading to exon skipping, mRNA degradation via nonsense-mediated decay (NMD), or production of a truncated protein. According to the currently available evidence, this variant has been classified as likely pathogenic (PVS1, PM2_P).

Labcorp Genetics (formerly Invitae), Labcorp
Classification: Likely pathogenic for Alstrom syndrome. Last evaluated: 2025-12-10. Review status: criteria provided, single submitter. Criteria: Invitae Variant Classification Sherloc (09022015). Collection method: clinical testing. Allele origin: germline.
Comment: This sequence change affects a donor splice site in intron 5 of the ALMS1 gene. It is expected to disrupt RNA splicing. Variants that disrupt the donor or acceptor splice site typically lead to a loss of protein function (PMID: 16199547), and loss-of-function variants in ALMS1 are known to be pathogenic (PMID: 17594715). This variant is present in population databases (no rsID available, gnomAD 0.003%). This variant has not been reported in the literature in individuals affected with ALMS1-related conditions. ClinVar contains an entry for this variant (Variation ID: 390220). Algorithms developed to predict the effect of sequence changes on RNA splicing suggest that this variant may disrupt the consensus splice site. In summary, the currently available evidence indicates that the variant is pathogenic, but additional data are needed to prove that conclusively. Therefore, this variant has been classified as Likely Pathogenic.

Natera, Inc.
Classification: Likely pathogenic for Alstrom syndrome. Last evaluated: 2025-09-29. Review status: criteria provided, single submitter. Criteria: Natera Variant Classification Schema (03/2026). Collection method: clinical testing. Allele origin: germline.
Comment: The c.1240+2T>C variant in ALMS1 is a canonical splice donor site variant predicted to affect pre-mRNA splicing, which may result in an abnormal transcript and altered protein product. This variant is expected to result in nonsense mediated decay, truncation, or a dysfunctional protein product. This variant is rare in the general population with a frequency below the threshold expected for the associated phenotype(s). Given the available evidence, this variant is classified as Likely Pathogenic.

GeneDx
Classification: Likely pathogenic. Last evaluated: 2025-01-31. Review status: criteria provided, single submitter. Criteria: GeneDx Variant Classification Process June 2021. Collection method: clinical testing. Allele origin: germline. Affected: yes.
Comment: Has not been previously published as pathogenic or benign to our knowledge; Not observed at significant frequency in large population cohorts (gnomAD); Canonical splice site variant predicted to result in a null allele in a gene for which loss of function is a known mechanism of disease

Blueprint Genetics
Classification: Likely pathogenic for ALMS1-related disorders. Last evaluated: 2021-10-14. Review status: criteria provided, single submitter. Criteria: ACMG Guidelines, 2015. Collection method: clinical testing. Allele origin: germline. Affected: yes. Observed: 1 variant allele.

Counsyl
Classification: Likely pathogenic for Alstrom syndrome. Last evaluated: 2017-10-04. Review status: no assertion criteria provided. Collection method: clinical testing. Allele origin: unknown. Not counted in ClinVar's aggregate classification.

Literature cited by the submitters: PubMed 16199547 (cited by Labcorp Genetics (formerly Invitae), Labcorp); PubMed 17594715 (cited by Labcorp Genetics (formerly Invitae), Labcorp).

NM_001378454.1(ALMS1):c.1237+2T>C

Gene: ALMS1 (ALMS1 centrosome and basal body associated protein; plus strand). Cytogenetic location: 2p13.1.
Variant type: single nucleotide variant.
Coding change: c.1237+2T>C on transcript NM_001378454.1 (MANE Select); the canonical splice donor site of the intron after coding-DNA position 1237, T replaced by C.
Molecular consequence: splice donor variant.
Genome position (GRCh38, 1-based): chr2:73,424,904, T>C. VCF-style: chr2-73424904-T-C. GRCh37 (hg19) VCF-style: chr2-73652032-T-C.
Other names: c.1240+2T>C (NM_015120.4); c.1237+2T>C (NM_015120.4).
Identifiers: ClinVar variation 390220 (VCV000390220.19), dbSNP rs916056435, ClinGen allele CA16604259.